The following is an entry in ClinVar:

NM_001085487.3(MYSM1):c.2390T>A (p.Phe797Tyr)

Gene: MYSM1 (Myb like, SWIRM and MPN domains 1; minus strand). Cytogenetic location: 1p32.1.
Variant type: single nucleotide variant.
Coding change: c.2390T>A on transcript NM_001085487.3 (MANE Select); coding-DNA position 2390, T replaced by A.
Protein change: p.Phe797Tyr; replaces phenylalanine 797 with tyrosine.
Molecular consequence: missense variant.
Genome position (GRCh38, 1-based): chr1:58,660,094, A>T on the plus strand (T>A on the coding strand, the complement: MYSM1 is on the minus strand). VCF-style: chr1-58660094-A-T. GRCh37 (hg19) VCF-style: chr1-59125766-A-T.
Other names: short protein forms F797Y.
Identifiers: ClinVar variation 4796864 (VCV004796864.1).
Genomic context (GRCh38, chr1:58,660,094, plus strand): 5'-ACTCCATTCTCTTGGTTGCTTTTATAATTGGAAAGGAACAAATTTTCTATTTCAGTCAAG[A>T]ATTCTTCAGCCATAAAGCAATTGGTCACTTTGCTCAGAGTCTTCCTCATACACTCCAAAA-3'
Protein context (NP_001078956.1, residues 787-807): KVTNCFMAEE[Phe797Tyr]LTEIENLFLS

ClinVar aggregate classification (germline): Uncertain significance (1 of 4 stars; one submission).

gnomAD v4.1: 2 of 1,611,344 alleles (0.00012%); highest among the groups gnomAD compares: East Asian, 0.0022%; no homozygotes.

Submission:

Labcorp Genetics (formerly Invitae), Labcorp
Classification: Uncertain significance. Last evaluated: 2026-01-20. Review status: criteria provided, single submitter. Criteria: Invitae Variant Classification Sherloc (09022015). Collection method: clinical testing. Allele origin: germline.
Comment: This sequence change replaces phenylalanine, which is neutral and non-polar, with tyrosine, which is neutral and polar, at codon 797 of the MYSM1 protein (p.Phe797Tyr). This variant is not present in population databases (gnomAD no frequency). This variant has not been reported in the literature in individuals affected with MYSM1-related conditions. Invitae Evidence Modeling of protein sequence and biophysical properties (such as structural, functional, and spatial information, amino acid conservation, physicochemical variation, residue mobility, and thermodynamic stability) indicates that this missense variant is not expected to disrupt MYSM1 protein function with a negative predictive value of 80%. In summary, the available evidence is currently insufficient to determine the role of this variant in disease. Therefore, it has been classified as a Variant of Uncertain Significance.